The following is an entry in ClinVar:

NM_007294.4(BRCA1):c.5433G>A (p.Gln1811=)

Gene: BRCA1 (BRCA1 DNA repair associated; minus strand). Cytogenetic location: 17q21.31.
Variant type: single nucleotide variant.
Coding change: c.5433G>A on transcript NM_007294.4 (MANE Select); coding-DNA position 5433, G replaced by A.
Protein change: p.Gln1811=; no amino-acid change (glutamine 1811 retained).
Molecular consequence: synonymous variant. On other transcripts: missense variant (17).
Genome position (GRCh38, 1-based): chr17:43,047,677, C>T on the plus strand (G>A on the coding strand, the complement: BRCA1 is on the minus strand). VCF-style: chr17-43047677-C-T. GRCh37 (hg19) VCF-style: chr17-41199694-C-T.
Other names: c.2118G>A, p.Gln706= (NM_001408397.1, NM_001408398.1, NM_001408399.1 and 7 more transcripts); c.2115G>A, p.Gln705= (NM_001408406.1, NM_001408407.1, NM_001408408.1); c.2112G>A, p.Gln704= (NM_001408409.1); c.2049G>A, p.Gln683= (NM_001408410.1); c.2046G>A, p.Gln682= (NM_001408411.1); c.2043G>A, p.Gln681= (NM_001408412.1, NM_001408413.1, NM_001408414.1 and 2 more transcripts); c.2007G>A, p.Gln669= (NM_001408418.1, NM_001408419.1, NM_001408420.1); c.2004G>A, p.Gln668= (NM_001408421.1, NM_001408422.1, NM_001408423.1 and 1 more transcripts); and 83 more; short protein forms A683T, A682T, A1739T, A1744T, A1745T, A1786T, A1787T, A1740T.
Identifiers: ClinVar variation 868485 (VCV000868485.3), dbSNP rs4438367, ClinGen allele CA10590568.

Conditions:
Breast-ovarian cancer, familial, susceptibility to, 1 (BROVCA1). Also called: BRCA1 Hereditary Breast and Ovarian Cancer; OVARIAN CANCER, SUSCEPTIBILITY TO. Identifiers: Orphanet 145, MedGen C2676676, MONDO:0011450, OMIM 604370. Disease mechanism: loss of function.

Submission:

Brotman Baty Institute, University of Washington
No classification provided (evidence only). Condition: Breast-ovarian cancer, familial 1. Review status: no classification provided. Collection method: in vitro. Allele origin: not applicable. Functional consequence: functionally_normal.
ClinVar note: "not provided" was previously submitted as the classification for the variant. However, the classification appeared to be based only on an observation of functional data so it was converted to no classification on 2025-07-30.